The following is an entry in ClinVar:

NM_005787.6(ALG3):c.206T>C (p.Ile69Thr)

Gene: ALG3 (ALG3 alpha-1,3- mannosyltransferase; minus strand). Cytogenetic location: 3q27.1.
Variant type: single nucleotide variant.
Coding change: c.206T>C on transcript NM_005787.6 (MANE Select); coding-DNA position 206, T replaced by C.
Protein change: p.Ile69Thr; replaces isoleucine 69 with threonine.
Molecular consequence: missense variant. On other transcripts: non-coding transcript variant (1).
Genome position (GRCh38, 1-based): chr3:184,245,803, A>G on the plus strand (T>C on the coding strand, the complement: ALG3 is on the minus strand). VCF-style: chr3-184245803-A-G. GRCh37 (hg19) VCF-style: chr3-183963591-A-G.
Other names: c.62T>C, p.Ile21Thr (NM_001006941.2); c.206T>C (NM_005787.5); short protein forms I21T, I69T.
Identifiers: ClinVar variation 3896067 (VCV003896067.2).
Genomic context (GRCh38, chr3:184,245,803, plus strand): 5'-GTATAGTCATAGGTACCATTGATGACGCCTTCTACCTCGGCCATGTAGGCCTTCCAGTCA[A>G]TCTCTGTGTCTGGAAGAAGACAAGATGATCTGGTTACTTCTGAGTCTAGAACTTGTCTGC-3'
Protein context (NP_005778.1, residues 59-79): WVIHRVAYTE[Ile69Thr]DWKAYMAEVE

ClinVar aggregate classification (germline): Likely pathogenic. Review status: criteria provided, multiple submitters, no conflicts (2 of 4 stars). 2 submissions from 2 submitters: Likely pathogenic (2). Last evaluated 2025-11-01.

Conditions:
ALG3-congenital disorder of glycosylation. Also called: ALG3-CDG; CARBOHYDRATE-DEFICIENT GLYCOPROTEIN SYNDROME, TYPE IV; CDGS, TYPE IV; CONGENITAL DISORDER OF GLYCOSYLATION, TYPE Id; CDG Id. Identifiers: Orphanet 79321, MedGen C1832736, MONDO:0010998, OMIM 601110.

Submissions (2):

Medical Molecular Genetics, National Research Centre
Classification: Likely pathogenic for ALG3-congenital disorder of glycosylation. Last evaluated: 2025-11-01. Review status: criteria provided, single submitter. Criteria: ACMG Guidelines, 2015. Collection method: research. Allele origin: inherited. Affected: yes.

Women's Health and Genetics/Laboratory Corporation of America, LabCorp
Classification: Likely pathogenic for ALG3-congenital disorder of glycosylation. Last evaluated: 2025-03-20. Review status: criteria provided, single submitter. Criteria: LabCorp Variant Classification Summary - May 2015. Collection method: clinical testing. Allele origin: germline.
Comment: Variant summary: ALG3 c.206T>C (p.Ile69Thr) results in a non-conservative amino acid change in the encoded protein sequence. Five of five in-silico tools predict a damaging effect of the variant on protein function. The variant was absent in 247906 control chromosomes. c.206T>C has been reported in the literature in at-least 2 compound heterozygous siblings affected with ALG3-congenital disorder of glycosylation (example: Riess_2013). At least one publication reports experimental evidence evaluating an impact on protein function. Specifically, using the yeast homolog expressed in Escherichia coli (E. coli), the mutant protein (I70T) was found to have 2.8% activity relative to the wild-type protein (example: Luo_2020, no PMID). The following publications have been ascertained in the context of this evaluation (PMID: 23791010). No submitters have cited clinical-significance assessments for this variant to ClinVar. Based on the evidence outlined above, the variant was classified as likely pathogenic.

Literature cited by the submitters: PubMed 23791010 (cited by Women's Health and Genetics/Laboratory Corporation of America, LabCorp).